The following is an entry in ClinVar:

ClinVar aggregate classification (germline): Likely pathogenic (1 of 4 stars; one submission).

Conditions:
Niemann-Pick disease, type C1. Also called: NIEMANN-PICK DISEASE, VARIANT TYPE C1; NEUROVISCERAL STORAGE DISEASE WITH VERTICAL SUPRANUCLEAR OPHTHALMOPLEGIA; NIEMANN-PICK DISEASE WITH CHOLESTEROL ESTERIFICATION BLOCK; NIEMANN-PICK DISEASE WITHOUT SPHINGOMYELINASE DEFICIENCY; NIEMANN-PICK DISEASE, CHRONIC NEURONOPATHIC FORM. Identifiers: Orphanet 646, MedGen C3179455, MONDO:0009757, OMIM 257220.

Allele frequency attached by ClinVar (database versions not stated): TOPMed below 0.00001.
gnomAD v4.1: 2 of 1,610,672 alleles (0.00012%); highest among the groups gnomAD compares: East Asian, 0.0022%; no homozygotes.

Submission:

Labcorp Genetics (formerly Invitae), Labcorp
Classification: Likely pathogenic for Niemann-Pick disease, type C1. Last evaluated: 2022-05-25. Review status: criteria provided, single submitter. Criteria: Invitae Variant Classification Sherloc (09022015). Collection method: clinical testing. Allele origin: germline.
Comment: In summary, the currently available evidence indicates that the variant is pathogenic, but additional data are needed to prove that conclusively. Therefore, this variant has been classified as Likely Pathogenic. This variant disrupts the p.Arg615 amino acid residue in NPC1. Other variant(s) that disrupt this residue have been determined to be pathogenic (PMID: 26666848). This suggests that this residue is clinically significant, and that variants that disrupt this residue are likely to be disease-causing. Advanced modeling of protein sequence and biophysical properties (such as structural, functional, and spatial information, amino acid conservation, physicochemical variation, residue mobility, and thermodynamic stability) performed at Invitae indicates that this missense variant is expected to disrupt NPC1 protein function. This variant has not been reported in the literature in individuals affected with NPC1-related conditions. This variant is present in population databases (no rsID available, gnomAD 0.006%). This sequence change replaces arginine, which is basic and polar, with serine, which is neutral and polar, at codon 615 of the NPC1 protein (p.Arg615Ser).

Literature cited by the submitters: PubMed 26666848.

NM_000271.5(NPC1):c.1843C>A (p.Arg615Ser)

Gene: NPC1 (NPC intracellular cholesterol transporter 1; minus strand). Cytogenetic location: 18q11.2.
Variant type: single nucleotide variant.
Coding change: c.1843C>A on transcript NM_000271.5 (MANE Select); coding-DNA position 1843, C replaced by A.
Protein change: p.Arg615Ser; replaces arginine 615 with serine.
Molecular consequence: missense variant.
Genome position (GRCh38, 1-based): chr18:23,545,064, G>T on the plus strand (C>A on the coding strand, the complement: NPC1 is on the minus strand). VCF-style: chr18-23545064-G-T. GRCh37 (hg19) VCF-style: chr18-21125028-G-T.
Other names: short protein forms R615S.
Identifiers: ClinVar variation 1488760 (VCV001488760.6), dbSNP rs745777805, ClinGen allele CA401772863.